The following is an entry in ClinVar:

NM_016121.5(KCTD3):c.1313del (p.Cys438fs)

Gene: KCTD3 (potassium channel tetramerization domain containing 3; plus strand). Cytogenetic location: 1q41.
Variant type: Deletion.
Coding change: c.1313del on transcript NM_016121.5 (MANE Select); coding-DNA position 1313, one base deleted (G; older notation c.1313delG).
Protein change: p.Cys438fs; shifts the reading frame from cysteine 438.
Molecular consequence: frameshift variant.
Genome position (GRCh38, 1-based): chr1:215,608,020, G deleted. VCF-style (leftmost placement, unchanged base first): chr1-215608019-TG-T. GRCh37 (hg19) VCF-style: chr1-215781361-TG-T.
Other names: c.1313del, p.Cys438fs (NM_001319294.2); c.1007del, p.Cys336fs (NM_001319295.2); short protein forms C336fs, C438fs.
Identifiers: ClinVar variation 3900454 (VCV003900454.2).

ClinVar aggregate classification (germline): Uncertain significance (1 of 4 stars; one submission).

Submission:

GeneDx
Classification: Uncertain significance. Last evaluated: 2026-09-24. Review status: criteria provided, single submitter. Criteria: GeneDx Variant Classification Process June 2021. Collection method: clinical testing. Allele origin: germline.
Comment: Not observed at significant frequency in large population cohorts (gnomAD); Frameshift variant predicted to result in protein truncation or nonsense mediated decay in a gene or region of a gene for which loss of function is not a well-established mechanism of disease; Has not been previously published as pathogenic or benign to our knowledge